The following is an entry in ClinVar:

ClinVar aggregate classification (germline): Uncertain significance. Review status: criteria provided, multiple submitters, no conflicts (2 of 4 stars). 2 submissions from 2 submitters: Uncertain significance (2). Last evaluated 2025-03-21.

Conditions:
Hereditary cancer-predisposing syndrome. Also called: Neoplastic Syndromes, Hereditary; Hereditary Cancer Syndrome; Hereditary neoplastic syndrome; Tumor predisposition. Identifiers: Orphanet 140162, MedGen C0027672, MeSH D009386, MONDO:0015356.
Oligodontia-cancer predisposition syndrome. Also called: TOOTH AGENESIS-COLORECTAL CANCER SYNDROME. Identifiers: Orphanet 300576, MedGen C1837750, MONDO:0012075, OMIM 608615. Disease mechanism: loss of function.

Allele frequency attached by ClinVar (database versions not stated): TOPMed below 0.00001.

Submissions (2):

Labcorp Genetics (formerly Invitae), Labcorp
Classification: Uncertain significance for Oligodontia-cancer predisposition syndrome. Last evaluated: 2025-03-21. Review status: criteria provided, single submitter. Criteria: Invitae Variant Classification Sherloc (09022015). Collection method: clinical testing. Allele origin: germline.
Comment: This sequence change falls in intron 9 of the AXIN2 gene. It does not directly change the encoded amino acid sequence of the AXIN2 protein. It affects a nucleotide within the consensus splice site. This variant is not present in population databases (gnomAD no frequency). This variant has not been reported in the literature in individuals affected with AXIN2-related conditions. ClinVar contains an entry for this variant (Variation ID: 2566106). Variants that disrupt the consensus splice site are a relatively common cause of aberrant splicing (PMID: 17576681, 9536098). Algorithms developed to predict the effect of sequence changes on RNA splicing suggest that this variant may disrupt the consensus splice site. In summary, the available evidence is currently insufficient to determine the role of this variant in disease. Therefore, it has been classified as a Variant of Uncertain Significance.

Ambry Genetics
Classification: Uncertain significance for Hereditary cancer-predisposing syndrome. Last evaluated: 2023-04-03. Review status: criteria provided, single submitter. Criteria: Ambry Variant Classification Scheme 2023. Collection method: clinical testing. Allele origin: germline.
Comment: The c.2237+5G>A intronic variant results from a G to A substitution 5 nucleotides after coding exon 8 in the AXIN2 gene. This nucleotide position is highly conserved in available vertebrate species. In silico splice site analysis predicts that this alteration will weaken the native splice donor site; however, direct evidence is insufficient at this time (Ambry internal data). Since supporting evidence is limited at this time, the clinical significance of this alteration remains unclear.

Literature cited by the submitters: PubMed 17576681 (cited by Labcorp Genetics (formerly Invitae), Labcorp); PubMed 9536098 (cited by Labcorp Genetics (formerly Invitae), Labcorp).

NM_004655.4(AXIN2):c.2237+5G>A

Gene: AXIN2 (axin 2; minus strand). Cytogenetic location: 17q24.1.
Variant type: single nucleotide variant.
Coding change: c.2237+5G>A on transcript NM_004655.4 (MANE Select); 5 bases into the intron after coding-DNA position 2237, G replaced by A.
Molecular consequence: intron variant.
Genome position (GRCh38, 1-based): chr17:65,535,621, C>T on the plus strand (G>A on the coding strand, the complement: AXIN2 is on the minus strand). VCF-style: chr17-65535621-C-T. GRCh37 (hg19) VCF-style: chr17-63531739-C-T.
Other names: c.2042+5G>A (NM_001363813.1).
Identifiers: ClinVar variation 2566106 (VCV002566106.3), dbSNP rs191237802, ClinGen allele CA2270882897.